The following is an entry in ClinVar:

NM_013432.5(TONSL):c.1318G>A (p.Val440Met)

Gene: TONSL (tonsoku like, DNA repair protein; minus strand). Cytogenetic location: 8q24.3.
Variant type: single nucleotide variant.
Coding change: c.1318G>A on transcript NM_013432.5 (MANE Select); coding-DNA position 1318, G replaced by A.
Protein change: p.Val440Met; replaces valine 440 with methionine.
Molecular consequence: missense variant.
Genome position (GRCh38, 1-based): chr8:144,440,183, C>T on the plus strand (G>A on the coding strand, the complement: TONSL is on the minus strand). VCF-style: chr8-144440183-C-T. GRCh37 (hg19) VCF-style: chr8-145665566-C-T.
Other names: short protein forms V440M.
Identifiers: ClinVar variation 1440527 (VCV001440527.3), dbSNP rs138999030, ClinGen allele CA4943279.
Genomic context (GRCh38, chr8:144,440,183, plus strand): 5'-TGAGCTCCCGTAGTCTGGTTTCGGTCTCAGGGGCCTCCTGGGGCTGCAGCCTCAGCTGCA[C>T]GGTATGGAGATGCTGCAAGACCTGCCTCTGAGGAGCAGAGGGATGCTCAGCTCAGGACTG-3'
Protein context (NP_038460.4, residues 430-450): QRQVLQHLHT[Val440Met]QLRLQPQEAP

ClinVar aggregate classification (germline): Uncertain significance (1 of 4 stars; one submission).

Allele frequency attached by ClinVar (database versions not stated): ExAC 0.00014; 1000 Genomes Project 30x 0.00016; gnomAD exomes 0.00016 and 0.00017; TOPMed 0.00019; 1000 Genomes Project 0.00020; gnomAD 0.00024 and 0.00025.
gnomAD v4.1: 272 of 1,608,248 alleles (0.017%); highest among the groups gnomAD compares: Admixed American, 0.055%; no homozygotes.

Submission:

Labcorp Genetics (formerly Invitae), Labcorp
Classification: Uncertain significance. Last evaluated: 2022-07-07. Review status: criteria provided, single submitter. Criteria: Invitae Variant Classification Sherloc (09022015). Collection method: clinical testing. Allele origin: germline.
Comment: This sequence change replaces valine, which is neutral and non-polar, with methionine, which is neutral and non-polar, at codon 440 of the TONSL protein (p.Val440Met). This variant is present in population databases (rs138999030, gnomAD 0.06%). This variant has not been reported in the literature in individuals affected with TONSL-related conditions. ClinVar contains an entry for this variant (Variation ID: 1440527). Algorithms developed to predict the effect of missense changes on protein structure and function are either unavailable or do not agree on the potential impact of this missense change (SIFT: "Tolerated"; PolyPhen-2: "Possibly Damaging"; Align-GVGD: "Class C0"). In summary, the available evidence is currently insufficient to determine the role of this variant in disease. Therefore, it has been classified as a Variant of Uncertain Significance.